The following is an entry in ClinVar:

NM_000346.4(SOX9):c.975G>A (p.Ala325=)

Gene: SOX9 (SRY-box transcription factor 9; plus strand). Cytogenetic location: 17q24.3.
Variant type: single nucleotide variant.
Coding change: c.975G>A on transcript NM_000346.4 (MANE Select); coding-DNA position 975, G replaced by A.
Protein change: p.Ala325=; no amino-acid change (alanine 325 retained).
Molecular consequence: synonymous variant.
Genome position (GRCh38, 1-based): chr17:72,123,832, G>A. VCF-style: chr17-72123832-G-A. GRCh37 (hg19) VCF-style: chr17-70119973-G-A.
Identifiers: ClinVar variation 2648170 (VCV002648170.28), dbSNP rs775464344, ClinGen allele CA8739059.

ClinVar aggregate classification (germline): Likely benign. Review status: criteria provided, multiple submitters, no conflicts (2 of 4 stars). 3 submissions from 3 submitters: Likely benign (3). Last evaluated 2026-01-01.

Conditions:
Camptomelic dysplasia (CMPD). Also called: CMPD1/SRA1; Campomelic Dysplasia. Identifiers: Orphanet 140, MedGen C1861922, MONDO:0007251, OMIM 114290.

gnomAD v4.1: 94 of 1,605,464 alleles (0.0059%); highest among the groups gnomAD compares: East Asian, 0.009%; no homozygotes.

Submissions (3):

CeGaT Center for Human Genetics Tuebingen
Classification: Likely benign. Last evaluated: 2026-01-01. Review status: criteria provided, single submitter. Criteria: CeGaT Center For Human Genetics Tuebingen Variant Classification Criteria Version 2. Collection method: clinical testing. Allele origin: germline. Affected: yes. Observed: 2 variant alleles.
Comment: SOX9: BP4, BP7

Labcorp Genetics (formerly Invitae), Labcorp
Classification: Likely benign for Camptomelic dysplasia. Last evaluated: 2025-03-16. Review status: criteria provided, single submitter. Criteria: Invitae Variant Classification Sherloc (09022015). Collection method: clinical testing. Allele origin: germline.

Blueprint Genetics
Classification: Likely benign. Last evaluated: 2024-11-21. Review status: criteria provided, single submitter. Criteria: ACMG Guidelines, 2015. Collection method: clinical testing. Allele origin: germline.